The following is an entry in ClinVar:

ClinVar aggregate classification (germline): Benign/Likely benign. Review status: criteria provided, multiple submitters, no conflicts (2 of 4 stars). 3 submissions from 3 submitters: Benign (1); Likely benign (2). Last evaluated 2026-07-01.

Allele frequency attached by ClinVar (database versions not stated): gnomAD exomes 0.00002 and 0.00009; gnomAD 0.00003 and 0.00005; TOPMed 0.00008; ExAC 0.00010; 1000 Genomes Project 30x 0.00031; 1000 Genomes Project 0.00040.
gnomAD v4.1: 42 of 1,613,284 alleles (0.0026%); highest among the groups gnomAD compares: East Asian, 0.056%; no homozygotes.

Submissions (3):

CeGaT Center for Human Genetics Tuebingen
Classification: Likely benign. Last evaluated: 2026-07-01. Review status: criteria provided, single submitter. Criteria: CeGaT Center For Human Genetics Tuebingen Variant Classification Criteria Version 2. Collection method: clinical testing. Allele origin: germline. Affected: yes. Observed: 1 variant allele.
Comment: SPTBN2: BP4, BP7

Labcorp Genetics (formerly Invitae), Labcorp
Classification: Likely benign. Last evaluated: 2025-05-12. Review status: criteria provided, single submitter. Criteria: Invitae Variant Classification Sherloc (09022015). Collection method: clinical testing. Allele origin: germline.

Athena Diagnostics
Classification: Benign. Last evaluated: 2019-01-09. Review status: criteria provided, single submitter. Criteria: Athena Diagnostics Criteria. Collection method: clinical testing. Allele origin: germline.

NM_006946.4(SPTBN2):c.4920C>T (p.Tyr1640=)

Gene: SPTBN2 (spectrin beta, non-erythrocytic 2; minus strand). Cytogenetic location: 11q13.2.
Variant type: single nucleotide variant.
Coding change: c.4920C>T on transcript NM_006946.4 (MANE Select); coding-DNA position 4920, C replaced by T.
Protein change: p.Tyr1640=; no amino-acid change (tyrosine 1640 retained).
Molecular consequence: synonymous variant.
Genome position (GRCh38, 1-based): chr11:66,693,035, G>A on the plus strand (C>T on the coding strand, the complement: SPTBN2 is on the minus strand). VCF-style: chr11-66693035-G-A. GRCh37 (hg19) VCF-style: chr11-66460506-G-A.
Identifiers: ClinVar variation 805360 (VCV000805360.3), dbSNP rs562923443, ClinGen allele CA6128434.